The following is an entry in ClinVar:

NM_000245.4(MET):c.2568T>A (p.Asn856Lys)

Gene: MET (MET proto-oncogene, receptor tyrosine kinase; plus strand). Cytogenetic location: 7q31.2.
Variant type: single nucleotide variant.
Coding change: c.2568T>A on transcript NM_000245.4 (MANE Select); coding-DNA position 2568, T replaced by A.
Protein change: p.Asn856Lys; replaces asparagine 856 with lysine.
Molecular consequence: missense variant.
Genome position (GRCh38, 1-based): chr7:116,763,253, T>A. VCF-style: chr7-116763253-T-A. GRCh37 (hg19) VCF-style: chr7-116403307-T-A.
Other names: c.2622T>A, p.Asn874Lys (NM_001127500.3); c.2568T>A, p.Asn856Lys (NM_001324401.3); c.1278T>A, p.Asn426Lys (NM_001324402.2); short protein forms N856K, N426K, N874K.
Identifiers: ClinVar variation 3669176 (VCV003669176.2).
Genomic context (GRCh38, chr7:116,763,253, plus strand): 5'-ACATAATCCTGTGTTTAAGCCTTTTGAAAAGCCAGTGATGATCTCAATGGGCAATGAAAA[T>A]GTACTGGAAATTAAGGTAAGAAATGCTTTAAACACTGTCTTAAATCATCAGCTCAAACTT-3'
Protein context (NP_000236.2, residues 846-866): KPVMISMGNE[Asn856Lys]VLEIKGNDID

ClinVar aggregate classification (germline): Uncertain significance (1 of 4 stars; one submission).

Conditions:
Renal cell carcinoma. Identifiers: Orphanet 217071, MedGen C0007134, MeSH D002292, MONDO:0005086, HP:0005584.

Submission:

Labcorp Genetics (formerly Invitae), Labcorp
Classification: Uncertain significance for Renal cell carcinoma. Last evaluated: 2024-04-07. Review status: criteria provided, single submitter. Criteria: Invitae Variant Classification Sherloc (09022015). Collection method: clinical testing. Allele origin: germline.
Comment: This sequence change replaces asparagine, which is neutral and polar, with lysine, which is basic and polar, at codon 874 of the MET protein (p.Asn874Lys). This variant is not present in population databases (gnomAD no frequency). This variant has not been reported in the literature in individuals affected with MET-related conditions. Advanced modeling of protein sequence and biophysical properties (such as structural, functional, and spatial information, amino acid conservation, physicochemical variation, residue mobility, and thermodynamic stability) performed at Invitae indicates that this missense variant is not expected to disrupt MET protein function with a negative predictive value of 80%. In summary, the available evidence is currently insufficient to determine the role of this variant in disease. Therefore, it has been classified as a Variant of Uncertain Significance.